The following is an entry in ClinVar:

ClinVar aggregate classification (germline): Uncertain significance (1 of 4 stars; one submission).

Submission:

GeneDx
Classification: Uncertain significance. Last evaluated: 2025-03-16. Review status: criteria provided, single submitter. Criteria: GeneDx Variant Classification Process June 2021. Collection method: clinical testing. Allele origin: germline. Affected: yes.
Comment: Not observed at significant frequency in large population cohorts (gnomAD); In silico analysis supports that this missense variant has a deleterious effect on protein structure/function; Has not been previously published as pathogenic or benign to our knowledge

NM_004595.5(SMS):c.437C>G (p.Pro146Arg)

Gene: SMS (spermine synthase; plus strand). Cytogenetic location: Xp22.11.
Variant type: single nucleotide variant.
Coding change: c.437C>G on transcript NM_004595.5 (MANE Select); coding-DNA position 437, C replaced by G.
Protein change: p.Pro146Arg; replaces proline 146 with arginine.
Molecular consequence: missense variant.
Genome position (GRCh38, 1-based): chrX:21,977,168, C>G. VCF-style: chrX-21977168-C-G. GRCh37 (hg19) VCF-style: chrX-21995286-C-G.
Other names: c.278C>G, p.Pro93Arg (NM_001258423.2); short protein forms P146R, P93R.
Identifiers: ClinVar variation 4086553 (VCV004086553.1).